The following is an entry in ClinVar:

ClinVar aggregate classification (germline): Uncertain significance. Review status: criteria provided, multiple submitters, no conflicts (2 of 4 stars). 2 submissions from 2 submitters: Uncertain significance (2). Last evaluated 2024-11-27.

Allele frequency attached by ClinVar (database versions not stated): ExAC 0.00001; gnomAD 0.00004; TOPMed 0.00005; gnomAD exomes 0.00006.
gnomAD v4.1: 95 of 1,610,002 alleles (0.0059%); highest among the groups gnomAD compares: Non-Finnish European, 0.0074%; no homozygotes.

Submissions (2):

Labcorp Genetics (formerly Invitae), Labcorp
Classification: Uncertain significance. Last evaluated: 2024-11-27. Review status: criteria provided, single submitter. Criteria: Invitae Variant Classification Sherloc (09022015). Collection method: clinical testing. Allele origin: germline.
Comment: This sequence change replaces alanine, which is neutral and non-polar, with threonine, which is neutral and polar, at codon 364 of the PLA2G4A protein (p.Ala364Thr). This variant is present in population databases (rs754170276, gnomAD 0.006%). This variant has not been reported in the literature in individuals affected with PLA2G4A-related conditions. ClinVar contains an entry for this variant (Variation ID: 2520138). Invitae Evidence Modeling of protein sequence and biophysical properties (such as structural, functional, and spatial information, amino acid conservation, physicochemical variation, residue mobility, and thermodynamic stability) indicates that this missense variant is not expected to disrupt PLA2G4A protein function with a negative predictive value of 80%. In summary, the available evidence is currently insufficient to determine the role of this variant in disease. Therefore, it has been classified as a Variant of Uncertain Significance.

Ambry Genetics
Classification: Uncertain significance. Last evaluated: 2023-06-02. Review status: criteria provided, single submitter. Criteria: Ambry Variant Classification Scheme 2023. Collection method: clinical testing. Allele origin: germline.

NM_024420.3(PLA2G4A):c.1090G>A (p.Ala364Thr)

Gene: PLA2G4A (phospholipase A2 group IVA; plus strand). Cytogenetic location: 1q31.1.
Variant type: single nucleotide variant.
Coding change: c.1090G>A on transcript NM_024420.3 (MANE Select); coding-DNA position 1090, G replaced by A.
Protein change: p.Ala364Thr; replaces alanine 364 with threonine.
Molecular consequence: missense variant.
Genome position (GRCh38, 1-based): chr1:186,946,693, G>A. VCF-style: chr1-186946693-G-A. GRCh37 (hg19) VCF-style: chr1-186915825-G-A.
Other names: c.910G>A, p.Ala304Thr (NM_001311193.2); short protein forms A364T, A304T.
Identifiers: ClinVar variation 2520138 (VCV002520138.3), dbSNP rs754170276, ClinGen allele CA1300119.